The following is an entry in ClinVar:

NM_000051.4(ATM):c.8672-2dup

Genes: ATM (ATM serine/threonine kinase; plus strand), C11orf65 (chromosome 11 open reading frame 65; minus strand). Cytogenetic location: 11q22.3.
Variant type: Duplication.
Coding change: c.8672-2dup on transcript NM_000051.4 (MANE Select); the canonical splice acceptor site of the intron before coding-DNA position 8672, one base duplicated (A; older notation c.8672-2dupA).
Molecular consequence: splice acceptor variant. On other transcripts: intron variant (2).
Genome position (GRCh38, 1-based): chr11:108,353,764, A duplicated. VCF-style (leftmost placement, unchanged base first): chr11-108353763-T-TA. GRCh37 (hg19) VCF-style: chr11-108224490-T-TA.
Other names: c.8672-2dup (NM_001351834.2); c.640+32156dup (NM_001330368.2); c.695-18472dup (NM_001351110.2).
Identifiers: ClinVar variation 3893670 (VCV003893670.1).

ClinVar aggregate classification (germline): Uncertain significance (1 of 4 stars; one submission).

Conditions:
Hereditary cancer-predisposing syndrome. Also called: Neoplastic Syndromes, Hereditary; Tumor predisposition; Hereditary Cancer Syndrome; Hereditary neoplastic syndrome. Identifiers: Orphanet 140162, MedGen C0027672, MeSH D009386, MONDO:0015356.

Submission:

Molecular Diagnostics Laboratory, Catalan Institute of Oncology
Classification: Uncertain significance for Hereditary cancer-predisposing syndrome. Last evaluated: 2024-09-19. Review status: criteria provided, single submitter. Criteria: ClinGen ACMG Specifications ATM V1.1.0. Collection method: clinical testing. Allele origin: germline.
Comment: PM2_Supporting, BP4 c.8672-2dup, located in intron 59 of the ATM gene, consists in the duplication of one nucleotide in a canonical splice site. It is not present in the population database gnomAD v2.1.1, non-cancer dataset (PM2_supporting). The SpliceAI algorithm predicts no significant impact on splicing (BP4). To our knowledge, neither relevant clinical data nor well-established functional studies have been reported for this variant. This variant has not been reported in the ClinVar or LOVD databases. Based on currently available information, the variant 8672-2dup should be considered an uncertain significance variant.